The following is an entry in ClinVar:

NM_000169.3(GLA):c.1067G>A (p.Arg356Gln)

Genes: GLA (galactosidase alpha; minus strand), RPL36A-HNRNPH2 (RPL36A-HNRNPH2 readthrough; plus strand). Cytogenetic location: Xq22.1.
Variant type: single nucleotide variant.
Coding change: c.1067G>A on transcript NM_000169.3 (MANE Select); coding-DNA position 1067, G replaced by A.
Protein change: p.Arg356Gln; replaces arginine 356 with glutamine.
Molecular consequence: missense variant. On other transcripts: non-coding transcript variant (3), intron variant (2).
Genome position (GRCh38, 1-based): chrX:101,398,032, C>T on the plus strand (G>A on the coding strand, the complement: GLA is on the minus strand). VCF-style: chrX-101398032-C-T. GRCh37 (hg19) VCF-style: chrX-100653020-C-T.
Other names: c.1067G>A (NM_000169.2); c.1190G>A, p.Arg397Gln (NM_001406747.1); c.300+2575C>T (NM_001199973.2); c.177+6210C>T (NM_001199974.2); short protein forms R356Q, R397Q.
Identifiers: ClinVar variation 222135 (VCV000222135.37), dbSNP rs869312163, ClinGen allele CA352982.

ClinVar aggregate classification (germline): Conflicting classifications of pathogenicity. Review status: criteria provided, conflicting classifications (1 of 4 stars). 11 submissions from 11 submitters: Pathogenic (1); Uncertain significance (9). 1 of the submissions does not count toward it. Last evaluated 2026-09-08.

Conditions:
Fabry disease. Also called: GLA DEFICIENCY; HEREDITARY DYSTOPIC LIPIDOSIS; Fabry's disease; Angiokeratoma corporis diffusum; Ceramide trihexosidosis; ALPHA-GALACTOSIDASE A DEFICIENCY. Identifiers: Orphanet 324, MedGen C0002986, MONDO:0010526, OMIM 301500, HP:0001071. Disease mechanism: loss of function, Fabry disease is due to inactivating mutations in the X-linked GLA gene resulting in deficiency of the enzyme Alpha Galactosidase-A..
GLA-related disorder. Also called: GLA-related condition.
Cardiovascular phenotype. Identifiers: MedGen CN230736.

Allele frequency attached by ClinVar (database versions not stated): gnomAD exomes 0.00001; gnomAD 0.00003; TOPMed 0.00003.

Submissions 1 to 6 of 11:

Genomenon, Inc
Classification: Uncertain significance for Fabry disease. Last evaluated: 2026-09-08. Review status: criteria provided, single submitter. Criteria: Genomenon Sequence Variant Interpretation Standards - Updated. Collection method: curation. Allele origin: germline. Affected: yes.
Comment: GLA p.Arg356Gln (c.1067G>A) is a missense variant that changes the amino acid at codon 356 from Arginine to Glutamine. This variant has been observed in at least one proband with clinical features consistent with Fabry disease (PMID:27585509;27834756;31996269;27657681;29853467;29661900;39609713;36709535). Functional or patient cell studies have been reported (PMID:32023956;19621417;27585509;34199132;31996269;20864368;28615118;23935525;31956509;33072983). It is absent or not present at a significant frequency in gnomAD. In conclusion, we classify GLA p.Arg356Gln (c.1067G>A) as a variant of uncertain significance.

GeneDx
Classification: Uncertain significance. Last evaluated: 2026-06-11. Review status: criteria provided, single submitter. Criteria: GeneDx Variant Classification Process June 2021. Collection method: clinical testing. Allele origin: germline.
Comment: Previously reported in males with suspected Fabry disease; detailed clinical and segregation information was not provided (PMID: 31996269, 39609713, 30477121); Reported in numerous newborn screening cohorts, in which reduced enzyme activity levels were detected but clinical features varied, including multiple hemizygous adult individuals without clinical manifestations (PMID: 20864368, 19621417, 38531466, 38739391, 27238910, 28615118, 35977816, 34199132); Published functional studies found this variant retains significant residual enzyme activity (PMID: 23935525, 28515118, 27657681); In silico analysis suggests that this missense variant does not alter protein structure/function; This variant is associated with the following publications: (PMID: 25382311, 27238910, 28615118, 19621417, 33597575, 31956509, 30477121, 31634893, 36695159, 32531501, 35977816, 38531466, 29330335, 34199132, 20864368, 38739391, 23935525, 31996269, 39609713, 40355959, 40823509, 40276559, 40682177, 27657681, 42071123)

Labcorp Genetics (formerly Invitae), Labcorp
Classification: Pathogenic for Fabry disease. Last evaluated: 2025-12-22. Review status: criteria provided, single submitter. Criteria: Invitae Variant Classification Sherloc (09022015). Collection method: clinical testing. Allele origin: germline.
Comment: This sequence change replaces arginine, which is basic and polar, with glutamine, which is neutral and polar, at codon 356 of the GLA protein (p.Arg356Gln). This variant is present in population databases (no rsID available, gnomAD 0.008%). This missense change has been observed in individual(s) with GLA-related conditions (PMID: 19621417, 27238910, 28615118, 30477121, 31956509, 31996269). ClinVar contains an entry for this variant (Variation ID: 222135). Invitae Evidence Modeling of protein sequence and biophysical properties (such as structural, functional, and spatial information, amino acid conservation, physicochemical variation, residue mobility, and thermodynamic stability) indicates that this missense variant is not expected to disrupt GLA protein function with a negative predictive value of 80%. Experimental studies are conflicting or provide insufficient evidence to determine the effect of this variant on GLA function (PMID: 19621417, 23935525, 28615118). This variant disrupts the p.Arg356 amino acid residue in GLA. Other variant(s) that disrupt this residue have been determined to be pathogenic (PMID: 2539398, 17532296, 17555407, 21598360, 24582695, 25611685). This suggests that this residue is clinically significant, and that variants that disrupt this residue are likely to be disease-causing. For these reasons, this variant has been classified as Pathogenic.

Women's Health and Genetics/Laboratory Corporation of America, LabCorp
Classification: Uncertain significance. Last evaluated: 2025-09-18. Review status: criteria provided, single submitter. Criteria: LabCorp Variant Classification Summary - May 2015. Collection method: clinical testing. Allele origin: germline.
Comment: Variant summary: GLA c.1067G>A (p.Arg356Gln) results in a conservative amino acid change located in the Alpha galactosidase A, C-terminal beta-sandwich domain (IPR035373) of the encoded protein sequence. Algorithms developed to predict the effect of missense changes on protein structure and function are either unavailable or do not agree on the potential impact of this missense change. The variant allele was found at a frequency of 1.1e-05 in 183292 control chromosomes (gnomAD), including 5 hemizygotes in gnomAD v4. c.1067G>A has been observed in individuals affected with biochemical features of Fabry Disease detected by newborn screening (e.g., Hwu_2009, Duro_2018, Sawada_2020, Wang_2025), however was also detected in a family with 8 carriers (including 3 adult male hemizygotes) who were all clinically asymptomatic (Liao_2018). Since the penetrance of Fabry Disease due to this variant appears to be lower than expected, no conclusions can be drawn from these data. A different variant affecting the same codon has been determined to be pathogenic (1066C>T, p.Arg356Trp), supporting the critical relevance of codon 356 to GLA protein function. Publications report experimental evidence evaluating an impact on protein function. The most pronounced variant effect results in 10%-<30% of normal activity (Lukas_2013), while other studies found >50%-90% of normal activity (Lukas_2012 and Liao_2018), consistent with a milder or later onset form of the disease. The following publications have been ascertained in the context of this evaluation (PMID: 31634893, 30477121, 19621417, 28615118, 23935525, 31956509, 40355959). ClinVar contains an entry for this variant (Variation ID: 222135). Based on the evidence outlined above, the variant was classified as uncertain significance.

Ambry Genetics
Classification: Uncertain significance for Cardiovascular phenotype. Last evaluated: 2025-06-26. Review status: criteria provided, single submitter. Criteria: Ambry Variant Classification Scheme 2023. Collection method: clinical testing. Allele origin: germline.
Comment: The p.R356Q variant (also known as c.1067G>A), located in coding exon 7 of the GLA gene, results from a G to A substitution at nucleotide position 1067. The arginine at codon 356 is replaced by glutamine, an amino acid with highly similar properties. This variant has been reported in numerous lysosomal storage disease newborn screening cohorts, in which reduced &alpha;-Gal A enzyme activity levels were detected (Hwu WL et al. Hum Mutat, 2009 Oct;30:1397-405; Elliott S et al. Mol Genet Metab, 2016 08;118:304-9; Duro G et al. Int J Mol Sci, 2018 Nov;19; Liao HC et al. Mol Genet Metab, 2018 02;123:140-147; Wasserstein MP et al. Genet Med, 2019 03;21:631-640). However, functional studies demonstrate significant residual enzyme activity levels that tentatively support this variant might not cause disease or might cause only mild effects (Lukas J et al. PLoS Genet, 2013 Aug;9:e1003632; Liao HC et al. Mol Genet Metab, 2018 02;123:140-147). Based on data from gnomAD, the A allele has an overall frequency of 0.0011% (2/183292) total alleles studied, with 1 hemizygote(s) observed. The highest observed frequency was 0.0076% (1/13161) of African alleles. This amino acid position is poorly conserved in available vertebrate species. In addition, the in silico prediction for this alteration is inconclusive. Since supporting evidence is limited at this time, the clinical significance of this alteration remains unclear.

Revvity Omics, Revvity
Classification: Uncertain significance. Last evaluated: 2025-05-19. Review status: criteria provided, single submitter. Criteria: ACMG Guidelines, 2015. Collection method: clinical testing. Allele origin: germline.